The following is an entry in ClinVar:

ClinVar aggregate classification (germline): Uncertain significance (1 of 4 stars; one submission).

gnomAD v4.1: 72 of 1,607,250 alleles (0.0045%); highest among the groups gnomAD compares: South Asian, 0.012%; no homozygotes.

Submission:

Labcorp Genetics (formerly Invitae), Labcorp
Classification: Uncertain significance. Last evaluated: 2025-03-20. Review status: criteria provided, single submitter. Criteria: Invitae Variant Classification Sherloc (09022015). Collection method: clinical testing. Allele origin: germline.
Comment: This sequence change falls in intron 13 of the DGKZ gene. It does not directly change the encoded amino acid sequence of the DGKZ protein. It affects a nucleotide within the consensus splice site. This variant is present in population databases (rs774070488, gnomAD 0.02%). This variant has not been reported in the literature in individuals affected with DGKZ-related conditions. Variants that disrupt the consensus splice site are a relatively common cause of aberrant splicing (PMID: 17576681, 9536098). Algorithms developed to predict the effect of sequence changes on RNA splicing suggest that this variant is not likely to affect RNA splicing. In summary, the available evidence is currently insufficient to determine the role of this variant in disease. Therefore, it has been classified as a Variant of Uncertain Significance.

Literature cited by the submitters: PubMed 17576681; PubMed 9536098.

NM_001199267.2(DGKZ):c.1069-3C>G

Gene: DGKZ (diacylglycerol kinase zeta; plus strand). Cytogenetic location: 11p11.2.
Variant type: single nucleotide variant.
Coding change: c.1069-3C>G on transcript NM_001199267.2 (MANE Select); 3 bases into the intron before coding-DNA position 1069, C replaced by G.
Molecular consequence: intron variant.
Genome position (GRCh38, 1-based): chr11:46,372,768, C>G. VCF-style: chr11-46372768-C-G. GRCh37 (hg19) VCF-style: chr11-46394318-C-G.
Other names: c.1120-3C>G (NM_201532.3); c.1084-3C>G (NM_201533.3); c.1072-3C>G (NM_001199266.2, NM_003646.4); c.1003-3C>G (NM_001199268.2); c.1636-3C>G (NM_001105540.2).
Identifiers: ClinVar variation 4692280 (VCV004692280.1).
Genomic context (GRCh38, chr11:46,372,768, plus strand): 5'-CAGGGCTGGGCCTGAAGCCGGGGTCCCTGTGGGCCTGATTTGCCTCTGTTCTTCCTCCCC[C>G]AGGTGGGCTGGATCCTCTCCACCCTGGACCAGCTACGCCTGAAGCCGCCACCCCCTGTTG-3'